The following is an entry in ClinVar:

ClinVar aggregate classification (germline): Pathogenic. Review status: criteria provided, multiple submitters, no conflicts (2 of 4 stars). 2 submissions from 2 submitters: Pathogenic (2). Last evaluated 2022-02-18.

Conditions:
Hereditary cancer-predisposing syndrome. Also called: Neoplastic Syndromes, Hereditary; Tumor predisposition; Hereditary neoplastic syndrome; Hereditary Cancer Syndrome. Identifiers: Orphanet 140162, MedGen C0027672, MeSH D009386, MONDO:0015356.
Familial cancer of breast. Also called: BREAST CANCER, FAMILIAL; hereditary breast carcinoma; Hereditary breast cancer. Identifiers: Orphanet 227535, MedGen C0346153, MONDO:0016419, OMIM 114480. Disease mechanism: loss of function.

Submissions (2):

Labcorp Genetics (formerly Invitae), Labcorp
Classification: Pathogenic for Familial cancer of breast. Last evaluated: 2022-02-18. Review status: criteria provided, single submitter. Criteria: Invitae Variant Classification Sherloc (09022015). Collection method: clinical testing. Allele origin: germline.
Comment: This sequence change creates a premature translational stop signal (p.Thr1100Glnfs*21) in the PALB2 gene. While this is not anticipated to result in nonsense mediated decay, it is expected to disrupt the last 87 amino acid(s) of the PALB2 protein. This variant is not present in population databases (gnomAD no frequency). For these reasons, this variant has been classified as Pathogenic. This variant disrupts a region of the PALB2 protein in which other variant(s) (p.Tyr1108Serfs*16) have been determined to be pathogenic (PMID: 17200671, 19609323, 25452441, 26845104). This suggests that this is a clinically significant region of the protein, and that variants that disrupt it are likely to be disease-causing. Algorithms developed to predict the effect of sequence changes on RNA splicing suggest that this variant may disrupt the consensus splice site. ClinVar contains an entry for this variant (Variation ID: 580775). This variant has not been reported in the literature in individuals affected with PALB2-related conditions.

Ambry Genetics
Classification: Pathogenic for Hereditary cancer-predisposing syndrome. Last evaluated: 2018-03-16. Review status: criteria provided, single submitter. Criteria: Ambry Variant Classification Scheme 2023. Collection method: clinical testing. Allele origin: germline.
Comment: The c.3297_3301delGACTC pathogenic mutation, located in coding exon 12 of the PALB2 gene, results from a deletion of 5 nucleotides at nucleotide positions 3297 to 3301, causing a translational frameshift with a predicted alternate stop codon (p.T1100Qfs*21). This alteration is expected to result in loss of function by premature protein truncation. As such, this alteration is interpreted as a disease-causing mutation.

Literature cited by the submitters: PubMed 17200671 (cited by Labcorp Genetics (formerly Invitae), Labcorp); PubMed 19609323 (cited by Labcorp Genetics (formerly Invitae), Labcorp); PubMed 25452441 (cited by Labcorp Genetics (formerly Invitae), Labcorp); PubMed 26845104 (cited by Labcorp Genetics (formerly Invitae), Labcorp).

NM_024675.4(PALB2):c.3297_3301del (p.Thr1100fs)

Gene: PALB2 (partner and localizer of BRCA2; minus strand). Cytogenetic location: 16p12.2.
Variant type: Deletion.
Coding change: c.3297_3301del on transcript NM_024675.4 (MANE Select); coding-DNA positions 3297 to 3301, 5 bases deleted (GACTC; older notation c.3297_3301delGACTC).
Protein change: p.Thr1100fs; shifts the reading frame from threonine 1100.
Molecular consequence: frameshift variant.
Genome position (GRCh38, 1-based): chr16:23,607,913-23,607,917, GAGTC deleted on the plus strand (GACTC on the coding strand, the reverse complement: PALB2 is on the minus strand); deleting any 5 consecutive bases within chr16:23,607,913-23,607,918 gives the same sequence; the c. name uses the placement nearest the transcript's 3' end. VCF-style (leftmost placement, unchanged base first): chr16-23607912-AGAGTC-A. GRCh37 (hg19) VCF-style: chr16-23619233-AGAGTC-A.
Other names: c.3297_3301delGACTC (NM_024675.3); short protein forms T1100fs.
Identifiers: ClinVar variation 580775 (VCV000580775.14), dbSNP rs1567206813, ClinGen allele CA891843572.
Genomic context (GRCh38, chr16:23,607,912, plus strand): 5'-ATGCACACTTGCCTGCCAGCCTGCCCTGGAGGAAGACAGTACAGCATCACACCCACGCTG[AGAGTC>A]GTCTTAGGGTTAATCACAATGAGCTGAAACACAGGGCTTCGCAACGACTCACTCTCTTTG-3'